The following continues an entry in ClinVar:

NM_000484.4(APP):c.2137G>A (p.Ala713Thr)

Gene: APP. ClinVar aggregate classification (germline): Likely pathogenic. Likely pathogenic (8).

Submissions 7 to 10 of 10:

Victorian Clinical Genetics Services, Murdoch Childrens Research Institute
Classification: Likely pathogenic for Cerebral amyloid angiopathy, APP-related. Last evaluated: 2022-02-02. Review status: criteria provided, single submitter. Criteria: ACMG Guidelines, 2015. Collection method: clinical testing. Allele origin: germline. Inheritance: Autosomal dominant inheritance.
Comment: Based on the classification scheme VCGS_Germline_v1.3.4, this variant is classified as Likely pathogenic. Following criteria are met: 0101 – Toxic gain of function is a known mechanism of disease in this gene and is associated with cerebral amyloid angiopathy (MIM#605714) and familial Alzheimer disease 1 (MIM#104300) (OMIM). (I) 0107 - This gene is associated with autosomal dominant disease. (I) 0112 - The condition associated with this gene has incomplete penetrance. Specifically, the p.(Ala713Thr) variant has been reported to have incomplete penetrance as there are unaffected carriers of this variant (PMID: 28350801; gnomAD). (I) 0115 - Variants in this gene are known to have variable expressivity. Variable ages of onset and differences in disease progression have been reported (PMID: 24650794; GeneReviews). (I) 0200 - Variant is predicted to result in a missense amino acid change from alanine to threonine. (I) 0251 - This variant is heterozygous. (I) 0302 - Variant is present in gnomAD (v2) <0.001 for a dominant condition (25 heterozygotes, 0 homozygotes). (SP) 0309 - An alternative amino acid change at the same position has been observed in gnomAD (v2) (p.(Ala713Val): 13 heterozygotes, 0 homozygotes). (I) 0502 - Missense variant with conflicting in silico predictions and uninformative conservation. (I) 0602 - Variant is located in a hotspot region or cluster of pathogenic variants (DECIPHER). The amino acid residue is also a gamma-secretase cleavage site (UniProt). (SP) 0710 - Another missense variant comparable to the one identified in this case has inconclusive previous evidence for pathogenicity. The p.(Ala713Val) has been described as ‘not pathogenic’ in the literature, with no increase in the ABeta42/40 ratio or ABeta42 demonstrated for this variant (PMIDs: 32087291, 31011484). (I) 0801 - This variant has strong previous evidence of pathogenicity in unrelated individuals. This variant has been reported in at least ten individuals with mild cognitive impairment, progressive dementia and Alzheimer disease including several large families with Alzheimer disease (PMIDs: 15488330, 15365148, 23143229, 25948718, 28350801, 32908482). It should be noted that this variant was recently classified as a risk factor; however limited justification was provided for the classification (PMID: 32087291). (SP) 1002 - This variant has moderate functional evidence supporting abnormal protein function. Injection of human brain extracts from a deceased individual carrying the p.(Ala713Thr) variant into mice resulted in brain amyloidosis with higher ABeta levels detected in the insoluble faction of brain homogenates compared to control mice (PMID: 29459625). (SP) 1208 - Inheritance information for this variant is not currently available in this individual. (I) Legend: (SP) - Supporting pathogenic, (I) - Information, (SB) - Supporting benign

Laboratory for Molecular Medicine, Mass General Brigham Personalized Medicine
Classification: Likely pathogenic for Alzheimer disease. Last evaluated: 2019-01-24. Review status: criteria provided, single submitter. Criteria: LMM Criteria. Collection method: clinical testing. Allele origin: germline. Inheritance: Autosomal dominant inheritance. Observed: 2 variant alleles.
Comment: The p.Ala713Thr variant in APP has been reported in 16 probands with Alzheimer disease and segregated in 8 affected family members (Carter 1992, Rossi 2004, Amstrong 2004, Bernandi 2009, Pera 2013, Conidi 2015, Barber 2016, Lanoiselee 2017, Koriath 2018). In one family with 6 affected individuals, all 3 living affected harbored the variant and 6 of 24 unaffected members (1 over the age of 65) carried the variant (Rossi 2004). In another family the variant was also present in 5 unaffected members (3 over the age of 62) (Carter 1992). In a third family there was one additional affected family member, however, the carrier status was not determined (Amstrong 2004). In 3 additional families the probands presented with late onset Alzheimer disease associated with cerebrovascular lesions. Other family members were reportedly affected with dementia; however their carrier status for the p.Ala713Thr variant was not documented (Bernandi 2009). In another multigenerational family, the variant was found in 5 patients (2 heterozygous and 3 homozygous) and in 6 asymptomatic at risk individuals (Conidi 2015). This variant has also been identified in 21/34414 (0.061%) of Latino chromosomes by the Genome Aggregation Database (gnomAD). It has also been reported in ClinVar (Variation ID 18094). Computational analyses suggest that this variant may impact the protein, though this information is not predictive enough to determine pathogenicity. This variant exists in a region of the protein where other pathogenic variants cluster and is a known site for protein cleavage. In summary, although additional studies are required to fully establish its clinical significance, the p.Ala713Thr variant is likely pathogenic albeit with reduced and age-related penetrance. ACMG/AMP Criteria applied:PP1_Strong, PM1, PP3.

OMIM
Classification: Pathogenic for ALZHEIMER DISEASE, FAMILIAL, 1. Last evaluated: 2004-09-14. Review status: no assertion criteria provided. Collection method: literature only. Allele origin: germline. Not counted in ClinVar's aggregate classification.

VIB  Department of Molecular Genetics, University of Antwerp
No classification provided. Review status: no classification provided. Collection method: not provided. Allele origin: not provided. Not counted in ClinVar's aggregate classification.

Literature cited by the submitters: PubMed 15488330 (cited by 6 submitters); PubMed 19363265 (cited by 5 submitters); PubMed 25948718 (cited by 6 submitters); PubMed 26402770 (cited by Variantyx, Inc. and Laboratory for Molecular Medicine, Mass General Brigham Personalized Medicine); PubMed 28350801 (cited by 6 submitters); PubMed 30279455 (cited by 3 submitters); PubMed 32087291 (cited by 4 submitters); PubMed 32908482 (cited by 3 submitters); PubMed 36133075 (cited by Variantyx, Inc. and Athena Diagnostics); PubMed 15365148 (cited by 6 submitters); PubMed 23224319 (cited by 3 submitters); PubMed 26803359 (cited by 3 submitters); PubMed 29459625 (cited by 3 submitters); PubMed 28304299 (cited by Athena Diagnostics); PubMed 29859640 (cited by Athena Diagnostics); PubMed 29263818 (cited by Athena Diagnostics); PubMed 1303275 (cited by 3 submitters); PubMed 23143229 (cited by 3 submitters); PubMed 32317127 (cited by Athena Diagnostics); PubMed 32917274 (cited by Athena Diagnostics); PubMed 32775599 (cited by Athena Diagnostics); PubMed 24278680 (cited by Women's Health and Genetics/Laboratory Corporation of America, LabCorp); PubMed 24650794 (cited by Victorian Clinical Genetics Services, Murdoch Childrens Research Institute); PubMed 31011484 (cited by Victorian Clinical Genetics Services, Murdoch Childrens Research Institute); PubMed 8499923 (cited by OMIM).